The following is an entry in ClinVar:

ClinVar aggregate classification (germline): Uncertain significance (1 of 4 stars; one submission).

Allele frequency attached by ClinVar (database versions not stated): TOPMed below 0.00001; gnomAD exomes 0.00001.
gnomAD v4.1: 16 of 1,424,380 alleles (0.0011%); highest among the groups gnomAD compares: African/African-American, 0.0015%; no homozygotes.

Submission:

Labcorp Genetics (formerly Invitae), Labcorp
Classification: Uncertain significance. Last evaluated: 2021-03-10. Review status: criteria provided, single submitter. Criteria: Invitae Variant Classification Sherloc (09022015). Collection method: clinical testing. Allele origin: germline.
Comment: In summary, the available evidence is currently insufficient to determine the role of this variant in disease. Therefore, it has been classified as a Variant of Uncertain Significance. Algorithms developed to predict the effect of missense changes on protein structure and function are either unavailable or do not agree on the potential impact of this missense change (SIFT: "Tolerated"; PolyPhen-2: "Possibly Damaging"; Align-GVGD: "Class C0"). This variant has not been reported in the literature in individuals with BHLHA9-related conditions. The frequency data for this variant in the population databases is considered unreliable, as metrics indicate insufficient coverage at this position in the ExAC database. This sequence change replaces alanine with valine at codon 115 of the BHLHA9 protein (p.Ala115Val). The alanine residue is moderately conserved and there is a small physicochemical difference between alanine and valine.

NM_001164405.2(BHLHA9):c.344C>T (p.Ala115Val)

Gene: BHLHA9 (basic helix-loop-helix family member a9; plus strand). Cytogenetic location: 17p13.3.
Variant type: single nucleotide variant.
Coding change: c.344C>T on transcript NM_001164405.2 (MANE Select); coding-DNA position 344, C replaced by T.
Protein change: p.Ala115Val; replaces alanine 115 with valine.
Molecular consequence: missense variant.
Genome position (GRCh38, 1-based): chr17:1,270,907, C>T. VCF-style: chr17-1270907-C-T. GRCh37 (hg19) VCF-style: chr17-1174201-C-T.
Other names: short protein forms A115V.
Identifiers: ClinVar variation 1379999 (VCV001379999.8), dbSNP rs1249159476, ClinGen allele CA397523883.